The following is an entry in ClinVar:

NM_000238.4(KCNH2):c.2626G>A (p.Glu876Lys)

Gene: KCNH2 (potassium voltage-gated channel subfamily H member 2; minus strand). Cytogenetic location: 7q36.1.
Variant type: single nucleotide variant.
Coding change: c.2626G>A on transcript NM_000238.4 (MANE Select); coding-DNA position 2626, G replaced by A.
Protein change: p.Glu876Lys; replaces glutamic acid 876 with lysine.
Molecular consequence: missense variant.
Genome position (GRCh38, 1-based): chr7:150,948,510, C>T on the plus strand (G>A on the coding strand, the complement: KCNH2 is on the minus strand). VCF-style: chr7-150948510-C-T. GRCh37 (hg19) VCF-style: chr7-150645598-C-T.
Other names: c.1606G>A, p.Glu536Lys (NM_172057.3); short protein forms E876K, E536K.
Identifiers: ClinVar variation 456914 (VCV000456914.11), dbSNP rs1554424688, ClinGen allele CA369853833.

ClinVar aggregate classification (germline): Uncertain significance. Review status: criteria provided, multiple submitters, no conflicts (2 of 4 stars). 2 submissions from 2 submitters: Uncertain significance (2). Last evaluated 2017-11-01.

Conditions:
Long QT syndrome (LQTS). Identifiers: MedGen C0023976, MeSH D008133, MONDO:0002442. Disease mechanism: loss of function. Inheritance: Various modes of inheritance.

Allele frequency attached by ClinVar (database versions not stated): gnomAD exomes below 0.00001; TOPMed below 0.00001.
gnomAD v4.1: 5 of 1,593,434 alleles (0.00031%); highest among the groups gnomAD compares: South Asian, 0.0055%; no homozygotes.

Submissions (2):

Stanford Center for Inherited Cardiovascular Disease, Stanford University
Classification: Uncertain significance. Last evaluated: 2017-11-01. Review status: criteria provided, single submitter. Criteria: ACMG Guidelines, 2015. Collection method: provider interpretation. Allele origin: germline.

Labcorp Genetics (formerly Invitae), Labcorp
Classification: Uncertain significance for Long QT syndrome. Last evaluated: 2017-05-01. Review status: criteria provided, single submitter. Criteria: Invitae Variant Classification Sherloc (09022015). Collection method: clinical testing. Allele origin: germline.
Comment: This sequence change replaces glutamic acid with lysine at codon 876 of the KCNH2 protein (p.Glu876Lys). The glutamic acid residue is weakly conserved and there is a small physicochemical difference between glutamic acid and lysine. This variant is not present in population databases (ExAC no frequency) and has not been reported in the literature in individuals with a KCNH2-related disease. Algorithms developed to predict the effect of missense changes on protein structure and function (SIFT, PolyPhen-2, Align-GVGD) all suggest that this variant is likely to be tolerated, but these predictions have not been confirmed by published functional studies. In summary, this variant is a novel missense change that is not predicted to affect protein function. There is no indication that it causes disease, but the available evidence is currently insufficient to prove that conclusively. Therefore, it has been classified as a Variant of Uncertain Significance. This variant identified in the KCNH2 gene is located in the cytoplasmic C-terminal region of the resulting protein (PMID: 19841300, 25348405). It is unclear how this variant impacts the function of this protein.

Literature cited by the submitters: PubMed 19841300 (cited by Labcorp Genetics (formerly Invitae), Labcorp); PubMed 25348405 (cited by Labcorp Genetics (formerly Invitae), Labcorp).